The following is an entry in ClinVar:

ClinVar aggregate classification (germline): Pathogenic/Likely pathogenic. Review status: criteria provided, multiple submitters, no conflicts (2 of 4 stars). 6 submissions from 6 submitters: Pathogenic (2); Likely pathogenic (3). 1 of the submissions does not count toward it. Last evaluated 2025-12-16.

Conditions:
PLA2G6-associated neurodegeneration (PLAN). Also called: phospholipase A2-associated neurodegeneration. Identifiers: Orphanet 329303, MedGen CN204472, MONDO:0017998.
Infantile neuroaxonal dystrophy (NBIA2A). Also called: Infantile neuroaxonal dystrophy 1; NEURODEGENERATION WITH BRAIN IRON ACCUMULATION 2A; SEITELBERGER DISEASE. Identifiers: Orphanet 35069, MedGen C0270724, MONDO:0024457, OMIM 256600.
Neurodegeneration with brain iron accumulation 2B. Also called: NEUROAXONAL DYSTROPHY, ATYPICAL; NEURODEGENERATION WITH BRAIN IRON ACCUMULATION, PLA2G6-RELATED; aNAD; atypical Neuroaxonal Dystrophy (aNAD). Identifiers: Orphanet 35069, MedGen C1857747, MONDO:0012444, OMIM 610217.
Autosomal recessive Parkinson disease 14. Also called: PARKINSON DISEASE 14; DYSTONIA-PARKINSONISM, ADULT-ONSET. Identifiers: Orphanet 199351, MedGen C2751842, MONDO:0013060, OMIM 612953.

gnomAD v4.1: 33 of 1,534,844 alleles (0.0022%); highest among the groups gnomAD compares: East Asian, 0.055%; no homozygotes.

Submissions (6):

Labcorp Genetics (formerly Invitae), Labcorp
Classification: Pathogenic for Infantile neuroaxonal dystrophy. Last evaluated: 2025-12-16. Review status: criteria provided, single submitter. Criteria: Invitae Variant Classification Sherloc (09022015). Collection method: clinical testing. Allele origin: germline.
Comment: This sequence change replaces arginine, which is basic and polar, with glutamine, which is neutral and polar, at codon 635 of the PLA2G6 protein (p.Arg635Gln). This variant is present in population databases (rs387906863, gnomAD 0.009%). This missense change has been observed in individuals with early onset Parkinson disease (PMID: 20938027, 32771225). ClinVar contains an entry for this variant (Variation ID: 30366). Invitae Evidence Modeling of protein sequence and biophysical properties (such as structural, functional, and spatial information, amino acid conservation, physicochemical variation, residue mobility, and thermodynamic stability) indicates that this missense variant is expected to disrupt PLA2G6 protein function with a positive predictive value of 80%. For these reasons, this variant has been classified as Pathogenic.

Dasa
Classification: Pathogenic. Last evaluated: 2025-05-19. Review status: criteria provided, single submitter. Criteria: DASA Assertion Criteria. Collection method: clinical testing. Allele origin: germline.
Comment: NM_003560.4(PLA2G6):c.1904G>A (p.Arg635Gln) is a missense variant that results in the substitution of arginine with glutamine. The affected residue or protein region has prior evidence supporting clinical relevance. Segregation evidence has been reported in affected families. This variant has been recurrently observed in affected individuals with related phenotype in a genotype context consistent with recessive disease (PMID: 20938027; PMID: 30302010; PMID: 32771225). Multiple computational predictions support a deleterious effect on the gene or gene product. The variant is present at low frequency in population datasets. Based on the available data, this variant is classified as pathogenic.

Fulgent Genetics
Classification: Likely pathogenic for Infantile neuroaxonal dystrophy; Neurodegeneration with brain iron accumulation 2B; Autosomal recessive Parkinson disease 14. Last evaluated: 2024-06-10. Review status: criteria provided, single submitter. Criteria: ACMG Guidelines, 2015. Collection method: clinical testing. Allele origin: germline.

Broad Center for Mendelian Genomics, Broad Institute of MIT and Harvard
Classification: Likely pathogenic for PLA2G6-associated neurodegeneration. Last evaluated: 2023-01-24. Review status: criteria provided, single submitter. Criteria: ACMG Guidelines, 2015. Collection method: curation. Allele origin: germline. Inheritance: Autosomal recessive inheritance.
Comment: The p.Arg635Gln variant in PLA2G6 has been reported in 8 individuals with PLA2G6-associated neurodegeneration (PMID: 20938027, 30302010, 32771225), segregated with disease in 1 affected relative from 1 family (PMID: 20938027), and has been identified in 0.009% (1/11702) of East Asian chromosomes by the Genome Aggregation Database (gnomAD; dbSNP ID: rs387906863). Although this variant has been seen in the general population in a heterozygous state, its frequency is low enough to be consistent with a recessive carrier frequency. This variant has also been reported in ClinVar (Variation ID#: 30366) and has been interpreted as a variant of uncertain significance by Illumina Laboratory Services (Illumina) and as pathogenic by OMIM. Of the 8 affected individuals, 1 of those was a homozygote, 1 was a compound heterozygote that carried a reported likely pathogenic variant in trans, and 1 was a compound heterozygote that carried a variant of uncertain significance in trans, which increases the likelihood that the p.Gly653Ser variant is pathogenic (PMID: 20938027, 30302010, 32771225). Computational prediction tools and conservation analyses suggest that this variant may impact the protein, though this information is not predictive enough to determine pathogenicity. In summary, although additional studies are required to fully establish its clinical significance, this variant is likely pathogenic for autosomal recessive PLA2G6-associated neurodegeneration. ACMG/AMP Criteria applied: PP3, PM2_supporting, PM3_strong (Richards 2015).

GeneDx
Classification: Likely pathogenic. Last evaluated: 2022-02-11. Review status: criteria provided, single submitter. Criteria: GeneDx Variant Classification Process June 2021. Collection method: clinical testing. Allele origin: germline. Affected: yes.
Comment: In silico analysis supports that this missense variant has a deleterious effect on protein structure/function; Not observed at significant frequency in large population cohorts (gnomAD); This variant is associated with the following publications: (PMID: 32183746, 26196026, 25601130, 30302010, 20938027, 32771225)

OMIM
Classification: Pathogenic for PARKINSON DISEASE 14. Last evaluated: 2010-10-12. Review status: no assertion criteria provided. Collection method: literature only. Allele origin: germline. Not counted in ClinVar's aggregate classification.

Literature cited by the submitters: PubMed 20938027 (cited by 3 submitters); PubMed 32771225 (cited by Labcorp Genetics (formerly Invitae), Labcorp and Dasa); PubMed 30302010 (cited by Dasa).

NM_003560.4(PLA2G6):c.1904G>A (p.Arg635Gln)

Gene: PLA2G6 (phospholipase A2 group VI; minus strand). Cytogenetic location: 22q13.1.
Variant type: single nucleotide variant.
Coding change: c.1904G>A on transcript NM_003560.4 (MANE Select); coding-DNA position 1904, G replaced by A.
Protein change: p.Arg635Gln; replaces arginine 635 with glutamine.
Molecular consequence: missense variant.
Genome position (GRCh38, 1-based): chr22:38,115,657, C>T on the plus strand (G>A on the coding strand, the complement: PLA2G6 is on the minus strand). VCF-style: chr22-38115657-C-T. GRCh37 (hg19) VCF-style: chr22-38511664-C-T.
Other names: NM_003560.4(PLA2G6):c.1904G>A; p.Arg635Gln; c.1742G>A, p.Arg581Gln (NM_001004426.3, NM_001199562.3, NM_001349865.2 and 1 more transcripts); c.1904G>A, p.Arg635Gln (NM_001349864.2); c.1370G>A, p.Arg457Gln (NM_001349867.2); c.1226G>A, p.Arg409Gln (NM_001349868.2); c.1208G>A, p.Arg403Gln (NM_001349869.2); short protein forms R635Q, R403Q, R581Q, R457Q, R409Q.
Identifiers: ClinVar variation 30366 (VCV000030366.13), dbSNP rs387906863, ClinGen allele CA259782.